The following is an entry in ClinVar:

ClinVar aggregate classification (germline): Uncertain significance. Review status: criteria provided, multiple submitters, no conflicts (2 of 4 stars). 2 submissions from 2 submitters: Uncertain significance (2). Last evaluated 2025-08-11.

Conditions:
Cardiovascular phenotype. Identifiers: MedGen CN230736.
Arrhythmogenic cardiomyopathy with wooly hair and keratoderma. Also called: PALMOPLANTAR KERATODERMA WITH LEFT VENTRICULAR CARDIOMYOPATHY AND WOOLLY HAIR; Carvajal syndrome; Dilated cardiomyopathy with woolly hair and keratoderma; Arrhythmogenic cardiomyopathy with woolly hair and keratoderma. Identifiers: Orphanet 65282, MedGen C1854063, MONDO:0011581, OMIM 605676.
Arrhythmogenic right ventricular dysplasia 8 (ARVD8). Also called: Arrhythmogenic Right Ventricular Dysplasia/Cardiomyopathy 8; ARRHYTHMOGENIC RIGHT VENTRICULAR DYSPLASIA, FAMILIAL, 8; ARRHYTHMOGENIC RIGHT VENTRICULAR CARDIOMYOPATHY 8. Identifiers: MedGen C1843896, MONDO:0011831, OMIM 607450.

Submissions (2):

Labcorp Genetics (formerly Invitae), Labcorp
Classification: Uncertain significance for Arrhythmogenic cardiomyopathy with wooly hair and keratoderma; Arrhythmogenic right ventricular dysplasia 8. Last evaluated: 2025-08-11. Review status: criteria provided, single submitter. Criteria: Invitae Variant Classification Sherloc (09022015). Collection method: clinical testing. Allele origin: germline.
Comment: This sequence change replaces glutamic acid, which is acidic and polar, with lysine, which is basic and polar, at codon 2431 of the DSP protein (p.Glu2431Lys). This variant is not present in population databases (gnomAD no frequency). This variant has not been reported in the literature in individuals affected with DSP-related conditions. ClinVar contains an entry for this variant (Variation ID: 3842692). An algorithm developed to predict the effect of missense changes on protein structure and function (PolyPhen-2) suggests that this variant is likely to be disruptive. In summary, the available evidence is currently insufficient to determine the role of this variant in disease. Therefore, it has been classified as a Variant of Uncertain Significance.

Ambry Genetics
Classification: Uncertain significance for Cardiovascular phenotype. Last evaluated: 2025-01-06. Review status: criteria provided, single submitter. Criteria: Ambry Variant Classification Scheme 2023. Collection method: clinical testing. Allele origin: germline.
Comment: The p.E2431K variant (also known as c.7291G>A), located in coding exon 24 of the DSP gene, results from a G to A substitution at nucleotide position 7291. The glutamic acid at codon 2431 is replaced by lysine, an amino acid with similar properties. This amino acid position is conserved. In addition, the in silico prediction for this alteration is inconclusive. Based on the available evidence, the clinical significance of this variant remains unclear.

NM_004415.4(DSP):c.7291G>A (p.Glu2431Lys)

Gene: DSP (desmoplakin; plus strand). Cytogenetic location: 6p24.3.
Variant type: single nucleotide variant.
Coding change: c.7291G>A on transcript NM_004415.4 (MANE Select); coding-DNA position 7291, G replaced by A.
Protein change: p.Glu2431Lys; replaces glutamic acid 2431 with lysine.
Molecular consequence: missense variant.
Genome position (GRCh38, 1-based): chr6:7,584,553, G>A. VCF-style: chr6-7584553-G-A. GRCh37 (hg19) VCF-style: chr6-7584786-G-A.
Other names: c.5494G>A, p.Glu1832Lys (NM_001008844.3); c.5962G>A, p.Glu1988Lys (NM_001319034.2); short protein forms E1832K, E1988K, E2431K.
Identifiers: ClinVar variation 3842692 (VCV003842692.2).